The following is an entry in ClinVar:

NM_000081.4(LYST):c.1862A>T (p.Asp621Val)

Gene: LYST (lysosomal trafficking regulator; minus strand). Cytogenetic location: 1q42.3.
Variant type: single nucleotide variant.
Coding change: c.1862A>T on transcript NM_000081.4 (MANE Select); coding-DNA position 1862, A replaced by T.
Protein change: p.Asp621Val; replaces aspartic acid 621 with valine.
Molecular consequence: missense variant.
Genome position (GRCh38, 1-based): chr1:235,808,956, T>A on the plus strand (A>T on the coding strand, the complement: LYST is on the minus strand). VCF-style: chr1-235808956-T-A. GRCh37 (hg19) VCF-style: chr1-235972256-T-A.
Other names: c.1862A>T, p.Asp621Val (NM_001301365.1); c.1862A>T (NM_000081.3); short protein forms D621V.
Identifiers: ClinVar variation 1364876 (VCV001364876.4), dbSNP rs772932657, ClinGen allele CA1467389.

ClinVar aggregate classification (germline): Uncertain significance (1 of 4 stars; one submission).

Conditions:
Chédiak-Higashi syndrome (CHS). Also called: Chediak-Higashi Syndrome. Identifiers: Orphanet 167, MedGen C0007965, MONDO:0008963, OMIM 214500.

Allele frequency attached by ClinVar (database versions not stated): ExAC 0.00002; gnomAD 0.00003.
gnomAD v4.1: 29 of 1,613,806 alleles (0.0018%); highest among the groups gnomAD compares: Non-Finnish European, 0.00017%; no homozygotes.

Submission:

Labcorp Genetics (formerly Invitae), Labcorp
Classification: Uncertain significance for Chédiak-Higashi syndrome. Last evaluated: 2022-07-06. Review status: criteria provided, single submitter. Criteria: Invitae Variant Classification Sherloc (09022015). Collection method: clinical testing. Allele origin: germline.
Comment: This sequence change replaces aspartic acid, which is acidic and polar, with valine, which is neutral and non-polar, at codon 621 of the LYST protein (p.Asp621Val). This variant is present in population databases (rs772932657, gnomAD 0.05%). This variant has not been reported in the literature in individuals affected with LYST-related conditions. ClinVar contains an entry for this variant (Variation ID: 1364876). Algorithms developed to predict the effect of missense changes on protein structure and function are either unavailable or do not agree on the potential impact of this missense change (SIFT: "Tolerated"; PolyPhen-2: "Possibly Damaging"; Align-GVGD: "Class C0"). In summary, the available evidence is currently insufficient to determine the role of this variant in disease. Therefore, it has been classified as a Variant of Uncertain Significance.